The following is an entry in ClinVar:

NM_001291303.3(FAT4):c.4549A>C (p.Ile1517Leu)

Gene: FAT4 (FAT atypical cadherin 4; plus strand). Cytogenetic location: 4q28.1.
Variant type: single nucleotide variant.
Coding change: c.4549A>C on transcript NM_001291303.3 (MANE Select); coding-DNA position 4549, A replaced by C.
Protein change: p.Ile1517Leu; replaces isoleucine 1517 with leucine.
Molecular consequence: missense variant.
Genome position (GRCh38, 1-based): chr4:125,320,960, A>C. VCF-style: chr4-125320960-A-C. GRCh37 (hg19) VCF-style: chr4-126242115-A-C.
Other names: c.4549A>C, p.Ile1517Leu (NM_001291285.3, NM_024582.6); short protein forms I1517L.
Identifiers: ClinVar variation 1338963 (VCV001338963.15), dbSNP rs374899663, ClinGen allele CA3072482.

ClinVar aggregate classification (germline): Conflicting classifications of pathogenicity. Review status: criteria provided, conflicting classifications (1 of 4 stars). 6 submissions from 6 submitters: Uncertain significance (5); Likely benign (1). Last evaluated 2025-10-15.

Conditions:
FAT4-related disorder. Also called: FAT4-related condition.
Inborn genetic diseases. Identifiers: MedGen C0950123, MeSH D030342.

Allele frequency attached by ClinVar (database versions not stated): ESP Exome Variant Server 0.00008; ExAC 0.00011; gnomAD 0.00013 and 0.00015; gnomAD exomes 0.00014; TOPMed 0.00017.
gnomAD v4.1: 587 of 1,614,124 alleles (0.036%); highest among the groups gnomAD compares: Non-Finnish European, 0.046%; no homozygotes.

Submissions (6):

Labcorp Genetics (formerly Invitae), Labcorp
Classification: Likely benign. Last evaluated: 2025-10-15. Review status: criteria provided, single submitter. Criteria: Invitae Variant Classification Sherloc (09022015). Collection method: clinical testing. Allele origin: germline.

Ambry Genetics
Classification: Uncertain significance for Inborn genetic diseases. Last evaluated: 2025-01-09. Review status: criteria provided, single submitter. Criteria: Ambry Variant Classification Scheme 2023. Collection method: clinical testing. Allele origin: germline.

Daryl Scott Lab, Baylor College of Medicine
Classification: Uncertain significance for FAT4-related disorder. Last evaluated: 2024-01-01. Review status: criteria provided, single submitter. Criteria: ACMG Guidelines, 2015. Collection method: clinical testing. Allele origin: paternal. Observed: 1 heterozygote.
Comment: PP3

Blueprint Genetics
Classification: Uncertain significance. Last evaluated: 2023-06-26. Review status: criteria provided, single submitter. Criteria: ACMG Guidelines, 2015. Collection method: clinical testing. Allele origin: germline.

GeneDx
Classification: Uncertain significance. Last evaluated: 2022-01-13. Review status: criteria provided, single submitter. Criteria: GeneDx Variant Classification Process June 2021. Collection method: clinical testing. Allele origin: germline. Affected: yes.
Comment: In silico analysis supports that this missense variant does not alter protein structure/function; Has not been previously published as pathogenic or benign to our knowledge

Revvity Omics, Revvity
Classification: Uncertain significance. Last evaluated: 2021-08-16. Review status: criteria provided, single submitter. Criteria: ACMG Guidelines, 2015. Collection method: clinical testing. Allele origin: germline.